The following is an entry in ClinVar:

ClinVar aggregate classification (germline): Likely benign (1 of 4 stars; one submission).

Allele frequency attached by ClinVar (database versions not stated): ExAC 0.00001.
gnomAD v4.1: 11 of 1,568,720 alleles (0.0007%); highest among the groups gnomAD compares: Admixed American, 0.0018%; no homozygotes.

Submission:

CeGaT Center for Human Genetics Tuebingen
Classification: Likely benign. Last evaluated: 2022-08-01. Review status: criteria provided, single submitter. Criteria: CeGaT Center For Human Genetics Tuebingen Variant Classification Criteria Version 2. Collection method: clinical testing. Allele origin: germline. Affected: yes. Observed: 1 variant allele.
Comment: KDM4B: BP4, BP7

NM_015015.3(KDM4B):c.1401G>A (p.Pro467=)

Gene: KDM4B (lysine demethylase 4B; plus strand). Cytogenetic location: 19p13.3.
Variant type: single nucleotide variant.
Coding change: c.1401G>A on transcript NM_015015.3 (MANE Select); coding-DNA position 1401, G replaced by A.
Protein change: p.Pro467=; no amino-acid change (proline 467 retained).
Molecular consequence: synonymous variant.
Genome position (GRCh38, 1-based): chr19:5,131,161, G>A. VCF-style: chr19-5131161-G-A. GRCh37 (hg19) VCF-style: chr19-5131172-G-A.
Other names: c.1503G>A, p.Pro501= (NM_001411148.1).
Identifiers: ClinVar variation 2649099 (VCV002649099.24), dbSNP rs752921694, ClinGen allele CA9107829.